The following is an entry in ClinVar:

NM_015047.3(EMC1):c.740C>T (p.Thr247Ile)

Genes: EMC1 (ER membrane protein complex subunit 1; minus strand), EMC1-AS1 (EMC1 antisense RNA 1; plus strand). Cytogenetic location: 1p36.13.
Variant type: single nucleotide variant.
Coding change: c.740C>T on transcript NM_015047.3 (MANE Select); coding-DNA position 740, C replaced by T.
Protein change: p.Thr247Ile; replaces threonine 247 with isoleucine.
Molecular consequence: missense variant. On other transcripts: non-coding transcript variant (1).
Genome position (GRCh38, 1-based): chr1:19,240,343, G>A on the plus strand (C>T on the coding strand, the complement: EMC1 is on the minus strand). VCF-style: chr1-19240343-G-A. GRCh37 (hg19) VCF-style: chr1-19566837-G-A.
Other names: c.740C>T, p.Thr247Ile (NM_001271427.2, NM_001271428.2, NM_001375820.1 and 1 more transcripts); c.674C>T, p.Thr225Ile (NM_001271429.2); short protein forms T225I, T247I.
Identifiers: ClinVar variation 3692973 (VCV003692973.2).
Genomic context (GRCh38, chr1:19,240,343, plus strand): 5'-TGGCAGCCTCTCACCTGCAGTGGGATCTGTCTCAACTCCCATTCCGTCTCCAGAGCCAAA[G>A]TTTGGAGGGAACGTGAGCTCGGGTCAGGACACACCAGGACAGCCTCATCCACCACACCAC-3'
Protein context (NP_055862.1, residues 237-257): CPDPSSRSLQ[Thr247Ile]LALETEWELR

ClinVar aggregate classification (germline): Uncertain significance (1 of 4 stars; one submission).

gnomAD v4.1: 2 of 1,614,092 alleles (0.00012%); highest among the groups gnomAD compares: Admixed American, 0.0017%; no homozygotes.

Submission:

Labcorp Genetics (formerly Invitae), Labcorp
Classification: Uncertain significance. Last evaluated: 2025-03-27. Review status: criteria provided, single submitter. Criteria: Invitae Variant Classification Sherloc (09022015). Collection method: clinical testing. Allele origin: germline.
Comment: This sequence change replaces threonine, which is neutral and polar, with isoleucine, which is neutral and non-polar, at codon 247 of the EMC1 protein (p.Thr247Ile). This variant is present in population databases (no rsID available, gnomAD 0.1%). This variant has not been reported in the literature in individuals affected with EMC1-related conditions. Invitae Evidence Modeling of protein sequence and biophysical properties (such as structural, functional, and spatial information, amino acid conservation, physicochemical variation, residue mobility, and thermodynamic stability) indicates that this missense variant is not expected to disrupt EMC1 protein function with a negative predictive value of 80%. In summary, the available evidence is currently insufficient to determine the role of this variant in disease. Therefore, it has been classified as a Variant of Uncertain Significance.